The following is an entry in ClinVar:

NM_001211.6(BUB1B):c.2102T>C (p.Leu701Pro)

Gene: BUB1B (BUB1 mitotic checkpoint serine/threonine kinase B; plus strand). Cytogenetic location: 15q15.1.
Variant type: single nucleotide variant.
Coding change: c.2102T>C on transcript NM_001211.6 (MANE Select); coding-DNA position 2102, T replaced by C.
Protein change: p.Leu701Pro; replaces leucine 701 with proline.
Molecular consequence: missense variant.
Genome position (GRCh38, 1-based): chr15:40,208,729, T>C. VCF-style: chr15-40208729-T-C. GRCh37 (hg19) VCF-style: chr15-40500930-T-C.
Other names: short protein forms L701P.
Identifiers: ClinVar variation 3993703 (VCV003993703.1).

ClinVar aggregate classification (germline): Uncertain significance (1 of 4 stars; one submission).

Conditions:
Inborn genetic diseases. Identifiers: MedGen C0950123, MeSH D030342.

Submission:

Ambry Genetics
Classification: Uncertain significance for Inborn genetic diseases. Last evaluated: 2025-04-12. Review status: criteria provided, single submitter. Criteria: Ambry Variant Classification Scheme 2023. Collection method: clinical testing. Allele origin: germline.
Comment: The p.L701P variant (also known as c.2102T>C), located in coding exon 16 of the BUB1B gene, results from a T to C substitution at nucleotide position 2102. The leucine at codon 701 is replaced by proline, an amino acid with similar properties. This amino acid position is conserved. In addition, this alteration is predicted to be tolerated by in silico analysis. Based on the available evidence, the clinical significance of this variant remains unclear.